The following is an entry in ClinVar:

ClinVar aggregate classification (germline): Uncertain significance. Review status: criteria provided, single submitter (1 of 4 stars). 2 submissions from 2 submitters: Uncertain significance (1). 1 of the submissions does not count toward it. Last evaluated 2021-07-15.

Conditions:
Bloom syndrome (BLM). Also called: Bloom-Torre-Machacek syndrome. Identifiers: Orphanet 125, MedGen C0005859, MONDO:0008876, OMIM 210900.

gnomAD v4.1: 1 of 1,608,414 alleles (0.000062%); highest among the groups gnomAD compares: South Asian, 0.0011%; no homozygotes.

Submissions (2):

Labcorp Genetics (formerly Invitae), Labcorp
Classification: Uncertain significance for Bloom syndrome. Last evaluated: 2021-07-15. Review status: criteria provided, single submitter. Criteria: Invitae Variant Classification Sherloc (09022015). Collection method: clinical testing. Allele origin: germline.
Comment: This sequence change replaces aspartic acid with tyrosine at codon 542 of the BLM protein (p.Asp542Tyr). The aspartic acid residue is weakly conserved and there is a large physicochemical difference between aspartic acid and tyrosine. This variant is not present in population databases (ExAC no frequency). This variant has not been reported in the literature in individuals with BLM-related conditions. ClinVar contains an entry for this variant (Variation ID: 558622). Algorithms developed to predict the effect of missense changes on protein structure and function (SIFT, PolyPhen-2, Align-GVGD) all suggest that this variant is likely to be tolerated, but these predictions have not been confirmed by published functional studies and their clinical significance is uncertain. In summary, the available evidence is currently insufficient to determine the role of this variant in disease. Therefore, it has been classified as a Variant of Uncertain Significance.

Counsyl
Classification: Uncertain significance for Bloom syndrome. Last evaluated: 2018-06-04. Review status: no assertion criteria provided. Collection method: clinical testing. Allele origin: unknown. Not counted in ClinVar's aggregate classification.

NM_000057.4(BLM):c.1624G>T (p.Asp542Tyr)

Gene: BLM (BLM RecQ like helicase; plus strand). Cytogenetic location: 15q26.1.
Variant type: single nucleotide variant.
Coding change: c.1624G>T on transcript NM_000057.4 (MANE Select); coding-DNA position 1624, G replaced by T.
Protein change: p.Asp542Tyr; replaces aspartic acid 542 with tyrosine.
Molecular consequence: missense variant.
Genome position (GRCh38, 1-based): chr15:90,760,997, G>T. VCF-style: chr15-90760997-G-T. GRCh37 (hg19) VCF-style: chr15-91304227-G-T.
Other names: c.1624G>T, p.Asp542Tyr (NM_001287246.2, NM_001287247.2); c.499G>T, p.Asp167Tyr (NM_001287248.2); short protein forms D542Y, D167Y.
Identifiers: ClinVar variation 558622 (VCV000558622.10), dbSNP rs1555419932, ClinGen allele CA393843469.